The following is an entry in ClinVar:

NM_003327.4(TNFRSF4):c.194G>T (p.Arg65Leu)

Gene: TNFRSF4 (TNF receptor superfamily member 4; minus strand). Cytogenetic location: 1p36.33.
Variant type: single nucleotide variant.
Coding change: c.194G>T on transcript NM_003327.4 (MANE Select); coding-DNA position 194, G replaced by T.
Protein change: p.Arg65Leu; replaces arginine 65 with leucine.
Molecular consequence: missense variant.
Genome position (GRCh38, 1-based): chr1:1,213,737, C>A on the plus strand (G>T on the coding strand, the complement: TNFRSF4 is on the minus strand). VCF-style: chr1-1213737-C-A. GRCh37 (hg19) VCF-style: chr1-1149117-C-A.
Other names: short protein forms R65L.
Identifiers: ClinVar variation 1471076 (VCV001471076.8), dbSNP rs767897638, ClinGen allele CA512630.
Genomic context (GRCh38, chr1:1,213,737, plus strand): 5'-GTGCAGGGCTTGCACGGCTTGGAGCTGACCACGTCGTTGTAGAAGCCCGGCCCGCACGGA[C>A]GGCACACCGTGTTCTGGGAGCGGCTGCAGCGGCTCACCATCCCGTTGCCTGCAGCAGAGG-3'
Protein context (NP_003318.1, residues 55-75): RCSRSQNTVC[Arg65Leu]PCGPGFYNDV

ClinVar aggregate classification (germline): Uncertain significance (1 of 4 stars; one submission).

Conditions:
Combined immunodeficiency due to OX40 deficiency. Also called: OX40 DEFICIENCY; Immunodeficiency 16. Identifiers: Orphanet 431149, MedGen C3810053, MONDO:0014268, OMIM 615593.

Submission:

Labcorp Genetics (formerly Invitae), Labcorp
Classification: Uncertain significance for Combined immunodeficiency due to OX40 deficiency. Last evaluated: 2021-05-18. Review status: criteria provided, single submitter. Criteria: Invitae Variant Classification Sherloc (09022015). Collection method: clinical testing. Allele origin: germline.
Comment: In summary, the available evidence is currently insufficient to determine the role of this variant in disease. Therefore, it has been classified as a Variant of Uncertain Significance. Algorithms developed to predict the effect of missense changes on protein structure and function output the following: SIFT: "Tolerated"; PolyPhen-2: "Benign"; Align-GVGD: "Class C0". The leucine amino acid residue is found in multiple mammalian species, suggesting that this missense change does not adversely affect protein function. These predictions have not been confirmed by published functional studies and their clinical significance is uncertain. This variant has not been reported in the literature in individuals with TNFRSF4-related conditions. This variant is present in population databases (rs767897638, ExAC 0.006%). This sequence change replaces arginine with leucine at codon 65 of the TNFRSF4 protein (p.Arg65Leu). The arginine residue is weakly conserved and there is a moderate physicochemical difference between arginine and leucine.